The following is an entry in ClinVar:

NM_207361.6(FREM2):c.*1050G>A

Gene: FREM2 (FRAS1 related extracellular matrix 2; plus strand). Cytogenetic location: 13q13.3.
Variant type: single nucleotide variant.
Coding change: c.*1050G>A on transcript NM_207361.6 (MANE Select); 1050 bases downstream of the stop codon, G replaced by A.
Molecular consequence: 3 prime UTR variant.
Genome position (GRCh38, 1-based): chr13:38,881,837, G>A. VCF-style: chr13-38881837-G-A. GRCh37 (hg19) VCF-style: chr13-39455974-G-A.
Identifiers: ClinVar variation 881708 (VCV000881708.4), dbSNP rs146348438, ClinGen allele CA248323581.
Genomic context (GRCh38, chr13:38,881,837, plus strand): 5'-TATACATACTTTATAGAATAAAGGAACATTTTGACAGATGAGGTTATCCCTCGGAGTAGC[G>A]TAATCACACAATAACATTTAGAACTTAAATTGGCTACAGGACATTTTATTAGCTTTCTAT-3'

ClinVar aggregate classification (germline): Likely benign (1 of 4 stars; one submission).

Conditions:
Fraser syndrome 2 (FRASRS2). Identifiers: MedGen C4540036, MONDO:0054738, OMIM 617666.

Allele frequency attached by ClinVar (database versions not stated): gnomAD 0.00227 and 0.00239; 1000 Genomes Project 0.00280; TOPMed 0.00280; 1000 Genomes Project 30x 0.00297.

Submission:

Illumina Laboratory Services, Illumina
Classification: Likely benign for Fraser syndrome 2. Last evaluated: 2018-01-13. Review status: criteria provided, single submitter. Criteria: ICSL Variant Classification Criteria 13 December 2019. Collection method: clinical testing. Allele origin: germline.
Comment: This variant was observed in the ICSL laboratory as part of a predisposition screen in an ostensibly healthy population. It had not been previously curated by ICSL or reported in the Human Gene Mutation Database (HGMD: prior to June 1st, 2018), and was therefore a candidate for classification through an automated scoring system. Utilizing variant allele frequency, disease prevalence and penetrance estimates, and inheritance mode, an automated score was calculated to assess if this variant is too frequent to cause the disease. Based on the score and internal cut-off values, a variant classified as likely benign is not then subjected to further curation. The score for this variant resulted in a classification of likely benign for this disease.